The following is an entry in ClinVar:

ClinVar aggregate classification (germline): Likely benign. Review status: criteria provided, multiple submitters, no conflicts (2 of 4 stars). 10 submissions from 9 submitters: Likely benign (8). 2 of the submissions do not count toward it. Last evaluated 2026-01-28.

Conditions:
Aortic valve disease 1 (AOVD1). Identifiers: MedGen C3887892, MONDO:0024523, OMIM 109730.
Adams-Oliver syndrome 5 (AOS5). Identifiers: Orphanet 974, MedGen C4014970, MONDO:0014459, OMIM 616028.

Allele frequency attached by ClinVar (database versions not stated): gnomAD 0.00007 and 0.00010; TOPMed 0.00008; gnomAD exomes 0.00014; 1000 Genomes Project 30x 0.00016; ESP Exome Variant Server 0.00016; 1000 Genomes Project 0.00020; ExAC 0.00041.
gnomAD v4.1: 225 of 1,558,106 alleles (0.014%); highest among the groups gnomAD compares: Middle Eastern, 0.33%; 2 homozygotes.

Submissions (10):

Labcorp Genetics (formerly Invitae), Labcorp
Classification: Likely benign for Adams-Oliver syndrome 5. Last evaluated: 2026-01-28. Review status: criteria provided, single submitter. Criteria: Invitae Variant Classification Sherloc (09022015). Collection method: clinical testing. Allele origin: germline.

Genomic Medicine Center of Excellence, King Faisal Specialist Hospital and Research Centre
Classification: Likely benign. Last evaluated: 2025-08-18. Review status: criteria provided, single submitter. Criteria: ACMG Guidelines, 2015. Collection method: clinical testing. Allele origin: germline.

Blueprint Genetics
Classification: Likely benign. Last evaluated: 2024-09-18. Review status: criteria provided, single submitter. Criteria: ACMG Guidelines, 2015. Collection method: clinical testing. Allele origin: germline.

Genome-Nilou Lab
Classification: Likely benign for Adams-Oliver syndrome 5. Last evaluated: 2022-03-15. Review status: criteria provided, single submitter. Criteria: ACMG Guidelines, 2015. Collection method: clinical testing. Allele origin: germline. Affected: no.

Genome-Nilou Lab
Classification: Likely benign for Aortic valve disease 1. Last evaluated: 2022-03-15. Review status: criteria provided, single submitter. Criteria: ACMG Guidelines, 2015. Collection method: clinical testing. Allele origin: germline. Affected: no.

Fulgent Genetics
Classification: Likely benign for Aortic valve disease 1; Adams-Oliver syndrome 5. Last evaluated: 2021-11-16. Review status: criteria provided, single submitter. Criteria: ACMG Guidelines, 2015. Collection method: clinical testing. Allele origin: unknown.

GeneDx
Classification: Likely benign. Last evaluated: 2018-01-11. Review status: criteria provided, single submitter. Criteria: GeneDx Variant Classification (06012015). Collection method: clinical testing. Allele origin: germline. Affected: yes.
Comment: This variant is considered likely benign or benign based on one or more of the following criteria: it is a conservative change, it occurs at a poorly conserved position in the protein, it is predicted to be benign by multiple in silico algorithms, and/or has population frequency not consistent with disease.

Breakthrough Genomics
Classification: Likely benign. Review status: criteria provided, single submitter. Criteria: ACMG Guidelines, 2015. Collection method: not provided. Allele origin: germline. Inheritance: Autosomal dominant inheritance. Affected: yes.

Genome Diagnostics Laboratory, Amsterdam University Medical Center
Classification: Likely benign. Review status: no assertion criteria provided. Collection method: clinical testing. Allele origin: germline. Affected: yes. Study: VKGL Data-share Consensus. Not counted in ClinVar's aggregate classification.

Joint Genome Diagnostic Labs from Nijmegen and Maastricht, Radboudumc and MUMC+
Classification: Likely benign. Review status: no assertion criteria provided. Collection method: clinical testing. Allele origin: germline. Affected: yes. Study: VKGL Data-share Consensus. Not counted in ClinVar's aggregate classification.

NM_017617.5(NOTCH1):c.2207+15C>T

Gene: NOTCH1 (notch receptor 1; minus strand). Cytogenetic location: 9q34.3.
Variant type: single nucleotide variant.
Coding change: c.2207+15C>T on transcript NM_017617.5 (MANE Select); 15 bases into the intron after coding-DNA position 2207, C replaced by T.
Molecular consequence: intron variant.
Genome position (GRCh38, 1-based): chr9:136,514,495, G>A on the plus strand (C>T on the coding strand, the complement: NOTCH1 is on the minus strand). VCF-style: chr9-136514495-G-A. GRCh37 (hg19) VCF-style: chr9-139408947-G-A.
Other names: c.2207+15C>T (LRG_1122t1).
Identifiers: ClinVar variation 514726 (VCV000514726.17), dbSNP rs187086513, ClinGen allele CA5341452.